The following is an entry in ClinVar:

NM_000092.5(COL4A4):c.680G>C (p.Arg227Pro)

Gene: COL4A4 (collagen type IV alpha 4 chain; minus strand). Cytogenetic location: 2q36.3.
Variant type: single nucleotide variant.
Coding change: c.680G>C on transcript NM_000092.5 (MANE Select); coding-DNA position 680, G replaced by C.
Protein change: p.Arg227Pro; replaces arginine 227 with proline.
Molecular consequence: missense variant.
Genome position (GRCh38, 1-based): chr2:227,108,846, C>G on the plus strand (G>C on the coding strand, the complement: COL4A4 is on the minus strand). VCF-style: chr2-227108846-C-G. GRCh37 (hg19) VCF-style: chr2-227973562-C-G.
Other names: short protein forms R227P.
Identifiers: ClinVar variation 2414589 (VCV002414589.3), dbSNP rs368248078, ClinGen allele CA350859527.

ClinVar aggregate classification (germline): Uncertain significance (1 of 4 stars; one submission).

gnomAD v4.1: 24 of 1,611,840 alleles (0.0015%); highest among the groups gnomAD compares: Non-Finnish European, 0.002%; no homozygotes.

Submission:

Labcorp Genetics (formerly Invitae), Labcorp
Classification: Uncertain significance. Last evaluated: 2022-03-02. Review status: criteria provided, single submitter. Criteria: Invitae Variant Classification Sherloc (09022015). Collection method: clinical testing. Allele origin: germline.
Comment: This sequence change replaces arginine, which is basic and polar, with proline, which is neutral and non-polar, at codon 227 of the COL4A4 protein (p.Arg227Pro). This variant is present in population databases (no rsID available, gnomAD 0.002%). This variant has not been reported in the literature in individuals affected with COL4A4-related conditions. Advanced modeling of protein sequence and biophysical properties (such as structural, functional, and spatial information, amino acid conservation, physicochemical variation, residue mobility, and thermodynamic stability) performed at Invitae indicates that this missense variant is not expected to disrupt COL4A4 protein function. In summary, the available evidence is currently insufficient to determine the role of this variant in disease. Therefore, it has been classified as a Variant of Uncertain Significance.